The following is an entry in ClinVar:

NM_006206.6(PDGFRA):c.3128A>G (p.Gln1043Arg)

Gene: PDGFRA (platelet derived growth factor receptor alpha; plus strand). Cytogenetic location: 4q12.
Variant type: single nucleotide variant.
Coding change: c.3128A>G on transcript NM_006206.6 (MANE Select); coding-DNA position 3128, A replaced by G.
Protein change: p.Gln1043Arg; replaces glutamine 1043 with arginine.
Molecular consequence: missense variant.
Genome position (GRCh38, 1-based): chr4:54,295,130, A>G. VCF-style: chr4-54295130-A-G. GRCh37 (hg19) VCF-style: chr4-55161297-A-G.
Other names: c.3203A>G, p.Gln1068Arg (NM_001347828.2); c.3128A>G, p.Gln1043Arg (NM_001347829.2); c.3167A>G, p.Gln1056Arg (NM_001347830.2); short protein forms Q1043R, Q1056R, Q1068R.
Identifiers: ClinVar variation 528517 (VCV000528517.12), dbSNP rs1553907178, ClinGen allele CA356896451.

ClinVar aggregate classification (germline): Uncertain significance. Review status: criteria provided, multiple submitters, no conflicts (2 of 4 stars). 3 submissions from 3 submitters: Uncertain significance (3). Last evaluated 2023-10-25.

Conditions:
Polyps, multiple and recurrent inflammatory fibroid, gastrointestinal. Identifiers: MedGen C5193005, MONDO:0008285, OMIM 175510.
Hereditary cancer-predisposing syndrome. Also called: Tumor predisposition; Hereditary neoplastic syndrome; Hereditary Cancer Syndrome; Neoplastic Syndromes, Hereditary. Identifiers: Orphanet 140162, MedGen C0027672, MeSH D009386, MONDO:0015356.
Gastrointestinal stromal tumor. Also called: Gastrointestinal stroma tumor; Gastrointestinal stromal tumor, somatic. Identifiers: Orphanet 44890, MedGen C0238198, MeSH D046152, MONDO:0011719, OMIM 606764, HP:0100723.

gnomAD v4.1: 1 of 1,614,086 alleles (0.000062%); highest among the groups gnomAD compares: Non-Finnish European, 0.000085%; no homozygotes.

Submissions (3):

Baylor Genetics
Classification: Uncertain significance for Polyps, multiple and recurrent inflammatory fibroid, gastrointestinal. Last evaluated: 2023-10-25. Review status: criteria provided, single submitter. Criteria: ACMG Guidelines, 2015. Collection method: clinical testing. Allele origin: unknown.

Labcorp Genetics (formerly Invitae), Labcorp
Classification: Uncertain significance for Gastrointestinal stromal tumor. Last evaluated: 2022-12-20. Review status: criteria provided, single submitter. Criteria: Invitae Variant Classification Sherloc (09022015). Collection method: clinical testing. Allele origin: germline.
Comment: This sequence change replaces glutamine, which is neutral and polar, with arginine, which is basic and polar, at codon 1043 of the PDGFRA protein (p.Gln1043Arg). In summary, the available evidence is currently insufficient to determine the role of this variant in disease. Therefore, it has been classified as a Variant of Uncertain Significance. Advanced modeling of protein sequence and biophysical properties (such as structural, functional, and spatial information, amino acid conservation, physicochemical variation, residue mobility, and thermodynamic stability) performed at Invitae indicates that this missense variant is not expected to disrupt PDGFRA protein function. ClinVar contains an entry for this variant (Variation ID: 528517). This variant has not been reported in the literature in individuals affected with PDGFRA-related conditions. This variant is not present in population databases (gnomAD no frequency).

Ambry Genetics
Classification: Uncertain significance for Hereditary cancer-predisposing syndrome. Last evaluated: 2022-06-24. Review status: criteria provided, single submitter. Criteria: Ambry Variant Classification Scheme 2023. Collection method: clinical testing. Allele origin: germline.
Comment: The p.Q1043R variant (also known as c.3128A>G), located in coding exon 22 of the PDGFRA gene, results from an A to G substitution at nucleotide position 3128. The glutamine at codon 1043 is replaced by arginine, an amino acid with highly similar properties. This amino acid position is conserved. In addition, the in silico prediction for this alteration is inconclusive. Since supporting evidence is limited at this time, the clinical significance of this alteration remains unclear.